The following is an entry in ClinVar:

NM_001376.5(DYNC1H1):c.13282C>T (p.Arg4428Cys)

Gene: DYNC1H1 (dynein cytoplasmic 1 heavy chain 1; plus strand). Cytogenetic location: 14q32.31.
Variant type: single nucleotide variant.
Coding change: c.13282C>T on transcript NM_001376.5 (MANE Select); coding-DNA position 13282, C replaced by T.
Protein change: p.Arg4428Cys; replaces arginine 4428 with cysteine.
Molecular consequence: missense variant.
Genome position (GRCh38, 1-based): chr14:102,048,579, C>T. VCF-style: chr14-102048579-C-T. GRCh37 (hg19) VCF-style: chr14-102514916-C-T.
Other names: short protein forms R4428C.
Identifiers: ClinVar variation 642663 (VCV000642663.13), dbSNP rs770395590, ClinGen allele CA7354198.

ClinVar aggregate classification (germline): Conflicting classifications of pathogenicity. Review status: criteria provided, conflicting classifications (1 of 4 stars). 2 submissions from 2 submitters: Uncertain significance (1); Likely benign (1). Last evaluated 2025-10-10.

Conditions:
Charcot-Marie-Tooth disease axonal type 2O. Also called: Charcot-Marie-Tooth disease, axonal, type 20; CHARCOT-MARIE-TOOTH NEUROPATHY, AXONAL, TYPE 2O; CHARCOT-MARIE-TOOTH DISEASE, AXONAL, AUTOSOMAL DOMINANT, TYPE 2O; Charcot-Marie-Tooth Neuropathy Type 2O. Identifiers: Orphanet 284232, MedGen C3280220, MONDO:0013644, OMIM 614228.

Allele frequency attached by ClinVar (database versions not stated): gnomAD 0.00001; TOPMed 0.00002.
gnomAD v4.1: 36 of 1,614,066 alleles (0.0022%); highest among the groups gnomAD compares: Non-Finnish European, 0.0028%; no homozygotes.

Submissions (2):

Labcorp Genetics (formerly Invitae), Labcorp
Classification: Likely benign for Charcot-Marie-Tooth disease axonal type 2O. Last evaluated: 2025-10-10. Review status: criteria provided, single submitter. Criteria: Invitae Variant Classification Sherloc (09022015). Collection method: clinical testing. Allele origin: germline.

GeneDx
Classification: Uncertain significance. Last evaluated: 2023-02-07. Review status: criteria provided, single submitter. Criteria: GeneDx Variant Classification Process June 2021. Collection method: clinical testing. Allele origin: germline. Affected: yes.
Comment: In silico analysis supports that this missense variant has a deleterious effect on protein structure/function; Has not been previously published as a pathogenic or benign germline variant to our knowledge; This variant is associated with the following publications: (PMID: 26100331, 25609763, 25512093, 28852190)